The following is an entry in ClinVar:

ClinVar aggregate classification (germline): Pathogenic (1 of 4 stars; one submission).

Conditions:
6-Pyruvoyl-tetrahydrobiopterin synthase deficiency. Also called: 6-Pyruvoyltetrahydropterin Synthase Deficiency; HYPERPHENYLALANINEMIA, TETRAHYDROBIOPTERIN-DEFICIENT, DUE TO PTS DEFICIENCY; BH4-deficient hyperphenylalaninemia A; PTS-Related Tetrahydrobiopterin Deficiency; PTS DEFICIENCY; Hyperphenylalanemia, BH4-deficient, A. Identifiers: Orphanet 13, Orphanet 238583, MedGen C0878676, MONDO:0009863, OMIM 261640.

Submission:

Labcorp Genetics (formerly Invitae), Labcorp
Classification: Pathogenic for 6-Pyruvoyl-tetrahydrobiopterin synthase deficiency. Last evaluated: 2021-06-30. Review status: criteria provided, single submitter. Criteria: Invitae Variant Classification Sherloc (09022015). Collection method: clinical testing. Allele origin: germline.
Comment: For these reasons, this variant has been classified as Pathogenic. This sequence change creates a premature translational stop signal (p.Tyr133*) in the PTS gene. While this is not anticipated to result in nonsense mediated decay, it is expected to disrupt the last 13 amino acid(s) of the PTS protein. This variant is not present in population databases (ExAC no frequency). This variant has not been reported in the literature in individuals affected with PTS-related conditions. This variant disrupts a region of the PTS protein in which other variant(s) (p.Asp136Val) have been determined to be pathogenic (PMID: 9222757, 11388593, 25418970). This suggests that this is a clinically significant region of the protein, and that variants that disrupt it are likely to be disease-causing.

Literature cited by the submitters: PubMed 9222757; PubMed 11388593; PubMed 25418970.

NM_000317.3(PTS):c.399C>A (p.Tyr133Ter)

Gene: PTS (6-pyruvoyltetrahydropterin synthase; plus strand). Cytogenetic location: 11q23.1.
Variant type: single nucleotide variant.
Coding change: c.399C>A on transcript NM_000317.3 (MANE Select); coding-DNA position 399, C replaced by A.
Protein change: p.Tyr133Ter; replaces tyrosine 133 with a stop codon.
Molecular consequence: nonsense.
Genome position (GRCh38, 1-based): chr11:112,233,516, C>A. VCF-style: chr11-112233516-C-A. GRCh37 (hg19) VCF-style: chr11-112104239-C-A.
Other names: short protein forms Y133*.
Identifiers: ClinVar variation 1453091 (VCV001453091.6), dbSNP rs199603175, ClinGen allele CA382628119.